The following is an entry in ClinVar:

ClinVar aggregate classification (germline): Uncertain significance (1 of 4 stars; one submission).

Conditions:
Seizures, benign familial infantile, 3 (BFIS3). Also called: Familial neonatal seizures; CONVULSIONS, BENIGN FAMILIAL INFANTILE, 3. Identifiers: Orphanet 140927, Orphanet 306, MedGen C1843140, MONDO:0011904, OMIM 607745.
Developmental and epileptic encephalopathy, 11 (DEE11). Also called: Early infantile epileptic encephalopathy 11. Identifiers: Orphanet 1934, MedGen C3150987, MONDO:0013388, OMIM 613721.

Allele frequency attached by ClinVar (database versions not stated): gnomAD exomes below 0.00001.
gnomAD v4.1: 1 of 1,614,164 alleles (0.000062%); highest among the groups gnomAD compares: Non-Finnish European, 0.000085%; no homozygotes.

Submission:

Labcorp Genetics (formerly Invitae), Labcorp
Classification: Uncertain significance for Seizures, benign familial infantile, 3; Developmental and epileptic encephalopathy, 11. Last evaluated: 2026-01-13. Review status: criteria provided, single submitter. Criteria: Invitae Variant Classification Sherloc (09022015). Collection method: clinical testing. Allele origin: germline.
Comment: This sequence change replaces serine, which is neutral and polar, with glycine, which is neutral and non-polar, at codon 1185 of the SCN2A protein (p.Ser1185Gly). This variant is not present in population databases (gnomAD no frequency). This variant has not been reported in the literature in individuals affected with SCN2A-related conditions. ClinVar contains an entry for this variant (Variation ID: 1421153). Invitae Evidence Modeling of protein sequence and biophysical properties (such as structural, functional, and spatial information, amino acid conservation, physicochemical variation, residue mobility, and thermodynamic stability) has been performed for this missense variant. However, the output from this modeling did not meet the statistical confidence thresholds required to predict the impact of this variant on SCN2A protein function. In summary, the available evidence is currently insufficient to determine the role of this variant in disease. Therefore, it has been classified as a Variant of Uncertain Significance.

NM_001040142.2(SCN2A):c.3553A>G (p.Ser1185Gly)

Gene: SCN2A (sodium voltage-gated channel alpha subunit 2; plus strand). Cytogenetic location: 2q24.3.
Variant type: single nucleotide variant.
Coding change: c.3553A>G on transcript NM_001040142.2 (MANE Select); coding-DNA position 3553, A replaced by G.
Protein change: p.Ser1185Gly; replaces serine 1185 with glycine.
Molecular consequence: missense variant.
Genome position (GRCh38, 1-based): chr2:165,367,249, A>G. VCF-style: chr2-165367249-A-G. GRCh37 (hg19) VCF-style: chr2-166223759-A-G.
Other names: c.3553A>G, p.Ser1185Gly (NM_001040143.2, NM_001371246.1, NM_001371247.1 and 1 more transcripts); short protein forms S1185G.
Identifiers: ClinVar variation 1421153 (VCV001421153.8), dbSNP rs2105359571, ClinGen allele CA349025850.